The following is an entry in ClinVar:

NM_001267550.2(TTN):c.105384A>G (p.Ala35128=)

Genes: TTN-AS1 (TTN antisense RNA 1; plus strand), TTN (titin; minus strand). Cytogenetic location: 2q31.2.
Variant type: single nucleotide variant.
Coding change: c.105384A>G on transcript NM_001267550.2 (MANE Select); coding-DNA position 105384, A replaced by G.
Protein change: p.Ala35128=; no amino-acid change (alanine 35128 retained).
Molecular consequence: synonymous variant.
Genome position (GRCh38, 1-based): chr2:178,531,231, T>C on the plus strand (A>G on the coding strand, the complement: TTN is on the minus strand). VCF-style: chr2-178531231-T-C. GRCh37 (hg19) VCF-style: chr2-179395958-T-C.
Other names: p.A33487A:GCA>GCG; p.Ala32560=; c.78765A>G, p.Ala26255= (NM_133437.4); c.100461A>G, p.Ala33487= (NM_001256850.1); c.78189A>G, p.Ala26063= (NM_003319.4); c.97680A>G, p.Ala32560= (NM_133378.4); c.78564A>G, p.Ala26188= (NM_133432.3).
Identifiers: ClinVar variation 47689 (VCV000047689.34), dbSNP rs3813250, ClinGen allele CA284316.
Genomic context (GRCh38, chr2:178,531,231, plus strand): 5'-AAACCTTGCAGACTCGCCCTCGTAGACGGTCATGGACCGTGGCTTTGTTAGAATTCTTGC[T>C]GCCAAAGTCGTCTTGATCTTTCTGGTTGTGGATTTTTCTTCCAGTGACTTTTCTTCTAAT-3'
Protein context (NP_001254479.2, residues 35118-35138): STTRKIKTTL[Ala35128=]ARILTKPRSM

ClinVar aggregate classification (germline): Benign. Review status: criteria provided, multiple submitters, no conflicts (2 of 4 stars). 21 submissions from 14 submitters: Benign (21). Last evaluated 2026-02-04.

Conditions:
Cardiovascular phenotype. Identifiers: MedGen CN230736.
Dilated cardiomyopathy 1G (CMD1G). Identifiers: Orphanet 154, MedGen C1858763, MONDO:0011400, OMIM 604145.
Autosomal recessive limb-girdle muscular dystrophy type 2J (LGMDR10). Also called: MUSCULAR DYSTROPHY, LIMB-GIRDLE, AUTOSOMAL RECESSIVE 10; Limb-girdle muscular dystrophy, type 2J. Identifiers: Orphanet 140922, MedGen C1837342, MONDO:0012127, OMIM 608807.
Early-onset myopathy with fatal cardiomyopathy (CMYO5). Also called: CONGENITAL MYOPATHY 5 WITH CARDIOMYOPATHY; Salih Myopathy. Identifiers: Orphanet 289377, MedGen C2673677, MONDO:0012714, OMIM 611705. Disease mechanism: loss of function.
Myopathy, myofibrillar, 9, with early respiratory failure (MFM9). Also called: Myopathy, distal, with early respiratory failure, autosomal dominant; Hereditary myopathy with early respiratory failure; MYOPATHY, PROXIMAL, WITH EARLY RESPIRATORY MUSCLE INVOLVEMENT; EDSTROM MYOPATHY. Identifiers: Orphanet 178464, Orphanet 34521, MedGen C1863599, MONDO:0011362, OMIM 603689.
Tibial muscular dystrophy (TMD). Also called: Udd Distal Myopathy – Tibial Muscular Dystrophy; Tibial muscular dystrophy, tardive; UDD MYOPATHY. Identifiers: Orphanet 609, MedGen C1838244, MONDO:0010870, OMIM 600334.

Allele frequency attached by ClinVar (database versions not stated): TOPMed 0.37641; 1000 Genomes Project 30x 0.50250; 1000 Genomes Project 0.50819; ESP Exome Variant Server 0.31944; gnomAD 0.35546 and 0.36144; ExAC 0.35180; gnomAD exomes 0.35223.
gnomAD v4.1: 447,533 of 1,613,596 alleles (28%); highest among the groups gnomAD compares: East Asian, 69%; 74,784 homozygotes.

Submissions (21):

Labcorp Genetics (formerly Invitae), Labcorp
Classification: Benign for Dilated cardiomyopathy 1G; Autosomal recessive limb-girdle muscular dystrophy type 2J. Last evaluated: 2026-02-04. Review status: criteria provided, single submitter. Criteria: Invitae Variant Classification Sherloc (09022015). Collection method: clinical testing. Allele origin: germline.

Molecular Diagnostic Laboratory for Inherited Cardiovascular Disease, Montreal Heart Institute
Classification: Benign. Last evaluated: 2025-04-09. Review status: criteria provided, single submitter. Criteria: ACMG Guidelines, 2015. Collection method: clinical testing. Allele origin: germline. Affected: no.

Genome-Nilou Lab
Classification: Benign for Autosomal recessive limb-girdle muscular dystrophy type 2J. Last evaluated: 2021-09-10. Review status: criteria provided, single submitter. Criteria: ACMG Guidelines, 2015. Collection method: clinical testing. Allele origin: germline. Affected: no.

Genome-Nilou Lab
Classification: Benign for Myopathy, myofibrillar, 9, with early respiratory failure. Last evaluated: 2021-09-10. Review status: criteria provided, single submitter. Criteria: ACMG Guidelines, 2015. Collection method: clinical testing. Allele origin: germline. Affected: no.

Genome-Nilou Lab
Classification: Benign for Early-onset myopathy with fatal cardiomyopathy. Last evaluated: 2021-09-10. Review status: criteria provided, single submitter. Criteria: ACMG Guidelines, 2015. Collection method: clinical testing. Allele origin: germline. Affected: no.

Genome-Nilou Lab
Classification: Benign for Tibial muscular dystrophy. Last evaluated: 2021-09-10. Review status: criteria provided, single submitter. Criteria: ACMG Guidelines, 2015. Collection method: clinical testing. Allele origin: germline. Affected: no.

Women's Health and Genetics/Laboratory Corporation of America, LabCorp
Classification: Benign. Last evaluated: 2019-08-19. Review status: criteria provided, single submitter. Criteria: LabCorp Variant Classification Summary - May 2015. Collection method: clinical testing. Allele origin: germline.

Athena Diagnostics
Classification: Benign. Last evaluated: 2018-11-02. Review status: criteria provided, single submitter. Criteria: Athena Diagnostics Criteria. Collection method: clinical testing. Allele origin: germline.

Illumina Laboratory Services, Illumina
Classification: Benign for Early-onset myopathy with fatal cardiomyopathy. Last evaluated: 2018-01-12. Review status: criteria provided, single submitter. Criteria: ICSL Variant Classification Criteria 13 December 2019. Collection method: clinical testing. Allele origin: germline.
Comment: This variant was observed in the ICSL laboratory as part of a predisposition screen in an ostensibly healthy population. It had not been previously curated by ICSL or reported in the Human Gene Mutation Database (HGMD: prior to June 1st, 2018), and was therefore a candidate for classification through an automated scoring system. Utilizing variant allele frequency, disease prevalence and penetrance estimates, and inheritance mode, an automated score was calculated to assess if this variant is too frequent to cause the disease. Based on the score and internal cut-off values, a variant classified as benign is not then subjected to further curation. The score for this variant resulted in a classification of benign for this disease.

Illumina Laboratory Services, Illumina
Classification: Benign for Autosomal recessive limb-girdle muscular dystrophy type 2J. Last evaluated: 2018-01-12. Review status: criteria provided, single submitter. Criteria: ICSL Variant Classification Criteria 13 December 2019. Collection method: clinical testing. Allele origin: germline.
Comment: the same text as in the submission from Illumina Laboratory Services, Illumina above.

Illumina Laboratory Services, Illumina
Classification: Benign for Myopathy, myofibrillar, 9, with early respiratory failure. Last evaluated: 2018-01-12. Review status: criteria provided, single submitter. Criteria: ICSL Variant Classification Criteria 13 December 2019. Collection method: clinical testing. Allele origin: germline.
Comment: the same text as in the submission from Illumina Laboratory Services, Illumina above.

Illumina Laboratory Services, Illumina
Classification: Benign for Tibial muscular dystrophy. Last evaluated: 2018-01-12. Review status: criteria provided, single submitter. Criteria: ICSL Variant Classification Criteria 13 December 2019. Collection method: clinical testing. Allele origin: germline.
Comment: the same text as in the submission from Illumina Laboratory Services, Illumina above.

Illumina Laboratory Services, Illumina
Classification: Benign for Dilated cardiomyopathy 1G. Last evaluated: 2018-01-12. Review status: criteria provided, single submitter. Criteria: ICSL Variant Classification Criteria 13 December 2019. Collection method: clinical testing. Allele origin: germline.
Comment: the same text as in the submission from Illumina Laboratory Services, Illumina above.

Mayo Clinic Laboratories, Mayo Clinic
Classification: Benign. Last evaluated: 2017-08-24. Review status: criteria provided, single submitter. Criteria: ACMG Guidelines, 2015. Collection method: clinical testing. Allele origin: germline. Observed: 1,167 variant alleles.

Eurofins Ntd Llc (ga)
Classification: Benign. Last evaluated: 2016-02-12. Review status: criteria provided, single submitter. Criteria: EGL Classification Definitions 2015. Collection method: clinical testing. Allele origin: germline. Observed: 6 variant alleles, 3 heterozygotes, 3 homozygotes.

Genetic Services Laboratory, University of Chicago
Classification: Benign for AllHighlyPenetrant. Last evaluated: 2013-08-15. Review status: criteria provided, single submitter. Criteria: ACMG Guidelines, 2007. Collection method: clinical testing. Allele origin: germline.

Ambry Genetics
Classification: Benign for Cardiovascular phenotype. Last evaluated: 2013-01-15. Review status: criteria provided, single submitter. Criteria: Ambry Autosomal Dominant and X-Linked criteria (10/2015). Collection method: clinical testing. Allele origin: germline. Observed: 1 variant allele.

GeneDx
Classification: Benign. Last evaluated: 2012-10-31. Review status: criteria provided, single submitter. Criteria: GeneDx Variant Classification (06012015). Collection method: clinical testing. Allele origin: germline. Affected: yes.
Comment: This variant is considered likely benign or benign based on one or more of the following criteria: it is a conservative change, it occurs at a poorly conserved position in the protein, it is predicted to be benign by multiple in silico algorithms, and/or has population frequency not consistent with disease.

Laboratory for Molecular Medicine, Mass General Brigham Personalized Medicine
Classification: Benign. Last evaluated: 2011-09-27. Review status: criteria provided, single submitter. Criteria: LMM Criteria. Collection method: clinical testing. Allele origin: germline. Observed: 928 variant alleles.

Breakthrough Genomics
Classification: Benign. Review status: criteria provided, single submitter. Criteria: ACMG Guidelines, 2015. Collection method: not provided. Allele origin: germline. Inheritance: Autosomal recessive inheritance. Affected: yes.

PreventionGenetics, part of Exact Sciences
Classification: Benign. Review status: criteria provided, single submitter. Criteria: ACMG Guidelines, 2015. Collection method: clinical testing. Allele origin: germline.